The following is an entry in ClinVar:

ClinVar aggregate classification (germline): Uncertain significance (1 of 4 stars; one submission).

Allele frequency attached by ClinVar (database versions not stated): gnomAD exomes below 0.00001.
gnomAD v4.1: 1 of 1,613,452 alleles (0.000062%); highest among the groups gnomAD compares: South Asian, 0.0011%; no homozygotes.

Submission:

Labcorp Genetics (formerly Invitae), Labcorp
Classification: Uncertain significance. Last evaluated: 2025-04-28. Review status: criteria provided, single submitter. Criteria: Invitae Variant Classification Sherloc (09022015). Collection method: clinical testing. Allele origin: germline.
Comment: This sequence change replaces threonine, which is neutral and polar, with methionine, which is neutral and non-polar, at codon 121 of the CLCN7 protein (p.Thr121Met). This variant is not present in population databases (gnomAD no frequency). This variant has not been reported in the literature in individuals affected with CLCN7-related conditions. ClinVar contains an entry for this variant (Variation ID: 2791932). Invitae Evidence Modeling of protein sequence and biophysical properties (such as structural, functional, and spatial information, amino acid conservation, physicochemical variation, residue mobility, and thermodynamic stability) indicates that this missense variant is not expected to disrupt CLCN7 protein function with a negative predictive value of 95%. In summary, the available evidence is currently insufficient to determine the role of this variant in disease. Therefore, it has been classified as a Variant of Uncertain Significance.

NM_001287.6(CLCN7):c.362C>T (p.Thr121Met)

Gene: CLCN7 (Cl-/H+ antiporter 7; minus strand). Cytogenetic location: 16p13.3.
Variant type: single nucleotide variant.
Coding change: c.362C>T on transcript NM_001287.6 (MANE Select); coding-DNA position 362, C replaced by T.
Protein change: p.Thr121Met; replaces threonine 121 with methionine.
Molecular consequence: missense variant.
Genome position (GRCh38, 1-based): chr16:1,460,938, G>A on the plus strand (C>T on the coding strand, the complement: CLCN7 is on the minus strand). VCF-style: chr16-1460938-G-A. GRCh37 (hg19) VCF-style: chr16-1510939-G-A.
Other names: c.290C>T, p.Thr97Met (NM_001114331.3); short protein forms T121M, T97M.
Identifiers: ClinVar variation 2791932 (VCV002791932.3), dbSNP rs2505845735, ClinGen allele CA394192726.